The following is an entry in ClinVar:

NM_017636.4(TRPM4):c.1994C>A (p.Ala665Asp)

Gene: TRPM4 (transient receptor potential cation channel subfamily M member 4; plus strand). Cytogenetic location: 19q13.33.
Variant type: single nucleotide variant.
Coding change: c.1994C>A on transcript NM_017636.4 (MANE Select); coding-DNA position 1994, C replaced by A.
Protein change: p.Ala665Asp; replaces alanine 665 with aspartic acid.
Molecular consequence: missense variant.
Genome position (GRCh38, 1-based): chr19:49,189,066, C>A. VCF-style: chr19-49189066-C-A. GRCh37 (hg19) VCF-style: chr19-49692323-C-A.
Other names: c.1994C>A, p.Ala665Asp (NM_001195227.2); c.1649C>A, p.Ala550Asp (NM_001321281.2); c.386C>A, p.Ala129Asp (NM_001321282.2); c.1472C>A, p.Ala491Asp (NM_001321283.2); c.932C>A, p.Ala311Asp (NM_001321285.2); short protein forms A311D, A491D, A665D, A129D, A550D.
Identifiers: ClinVar variation 1784023 (VCV001784023.2), dbSNP rs1968311382, ClinGen allele CA406804148.

ClinVar aggregate classification (germline): Uncertain significance (1 of 4 stars; one submission).

Conditions:
Cardiovascular phenotype. Identifiers: MedGen CN230736.

gnomAD v4.1: 4 of 1,614,176 alleles (0.00025%); highest among the groups gnomAD compares: Non-Finnish European, 0.00034%; no homozygotes.

Submission:

Ambry Genetics
Classification: Uncertain significance for Cardiovascular phenotype. Last evaluated: 2019-12-27. Review status: criteria provided, single submitter. Criteria: Ambry Variant Classification Scheme 2023. Collection method: clinical testing. Allele origin: germline.
Comment: The p.A665D variant (also known as c.1994C>A), located in coding exon 14 of the TRPM4 gene, results from a C to A substitution at nucleotide position 1994. The alanine at codon 665 is replaced by aspartic acid, an amino acid with dissimilar properties. This amino acid position is not well conserved in available vertebrate species. In addition, this alteration is predicted to be tolerated by in silico analysis. Since supporting evidence is limited at this time, the clinical significance of this alteration remains unclear.